The following is an entry in ClinVar:

NM_021930.6(RINT1):c.1369G>A (p.Glu457Lys)

Gene: RINT1 (RAD50 interactor 1; plus strand). Cytogenetic location: 7q22.3.
Variant type: single nucleotide variant.
Coding change: c.1369G>A on transcript NM_021930.6 (MANE Select); coding-DNA position 1369, G replaced by A.
Protein change: p.Glu457Lys; replaces glutamic acid 457 with lysine.
Molecular consequence: missense variant. On other transcripts: non-coding transcript variant (1).
Genome position (GRCh38, 1-based): chr7:105,551,605, G>A. VCF-style: chr7-105551605-G-A. GRCh37 (hg19) VCF-style: chr7-105192052-G-A.
Other names: c.1135G>A, p.Glu379Lys (NM_001346599.2); c.346G>A, p.Glu116Lys (NM_001346600.2, NM_001346603.2); c.445G>A, p.Glu149Lys (NM_001346601.2); short protein forms E149K, E379K, E116K, E457K.
Identifiers: ClinVar variation 3433551 (VCV003433551.1).

ClinVar aggregate classification (germline): Uncertain significance (1 of 4 stars; one submission).

gnomAD v4.1: 1 of 1,608,866 alleles (0.000062%); no homozygotes.

Submission:

Ambry Genetics
Classification: Uncertain significance. Last evaluated: 2024-07-13. Review status: criteria provided, single submitter. Criteria: Ambry Variant Classification Scheme 2023. Collection method: clinical testing. Allele origin: germline.
Comment: The p.E457K variant (also known as c.1369G>A), located in coding exon 10 of the RINT1 gene, results from a G to A substitution at nucleotide position 1369. The glutamic acid at codon 457 is replaced by lysine, an amino acid with similar properties. This amino acid position is conserved. In addition, this alteration is predicted to be tolerated by in silico analysis. Based on the available evidence, the clinical significance of this variant remains unclear.